The following is an entry in ClinVar:

NM_020884.7(MYH7B):c.1630C>T (p.Pro544Ser)

Gene: MYH7B (myosin heavy chain 7B; plus strand). Cytogenetic location: 20q11.22.
Variant type: single nucleotide variant.
Coding change: c.1630C>T on transcript NM_020884.7 (MANE Select); coding-DNA position 1630, C replaced by T.
Protein change: p.Pro544Ser; replaces proline 544 with serine.
Molecular consequence: missense variant.
Genome position (GRCh38, 1-based): chr20:34,989,782, C>T. VCF-style: chr20-34989782-C-T. GRCh37 (hg19) VCF-style: chr20-33577585-C-T.
Other names: short protein forms P544S.
Identifiers: ClinVar variation 4698575 (VCV004698575.1).

ClinVar aggregate classification (germline): Uncertain significance (1 of 4 stars; one submission).

gnomAD v4.1: 1 of 1,613,998 alleles (0.000062%); highest among the groups gnomAD compares: Admixed American, 0.0017%; no homozygotes.

Submission:

Labcorp Genetics (formerly Invitae), Labcorp
Classification: Uncertain significance. Last evaluated: 2025-11-11. Review status: criteria provided, single submitter. Criteria: Invitae Variant Classification Sherloc (09022015). Collection method: clinical testing. Allele origin: germline.
Comment: This sequence change replaces proline, which is neutral and non-polar, with serine, which is neutral and polar, at codon 586 of the MYH7B protein (p.Pro586Ser). This variant is not present in population databases (gnomAD no frequency). This variant has not been reported in the literature in individuals affected with MYH7B-related conditions. Invitae Evidence Modeling of protein sequence and biophysical properties (such as structural, functional, and spatial information, amino acid conservation, physicochemical variation, residue mobility, and thermodynamic stability) indicates that this missense variant is expected to disrupt MYH7B protein function with a positive predictive value of 80%. In summary, the available evidence is currently insufficient to determine the role of this variant in disease. Therefore, it has been classified as a Variant of Uncertain Significance.